The following is an entry in ClinVar:

NM_003482.4(KMT2D):c.12205C>A (p.Leu4069Ile)

Gene: KMT2D (lysine methyltransferase 2D; minus strand). Cytogenetic location: 12q13.12.
Variant type: single nucleotide variant.
Coding change: c.12205C>A on transcript NM_003482.4 (MANE Select); coding-DNA position 12205, C replaced by A.
Protein change: p.Leu4069Ile; replaces leucine 4069 with isoleucine.
Molecular consequence: missense variant.
Genome position (GRCh38, 1-based): chr12:49,032,500, G>T on the plus strand (C>A on the coding strand, the complement: KMT2D is on the minus strand). VCF-style: chr12-49032500-G-T. GRCh37 (hg19) VCF-style: chr12-49426283-G-T.
Other names: short protein forms L4069I.
Identifiers: ClinVar variation 2642939 (VCV002642939.27), dbSNP rs774658767, ClinGen allele CA384712608.

ClinVar aggregate classification (germline): Conflicting classifications of pathogenicity. Review status: criteria provided, conflicting classifications (1 of 4 stars). 2 submissions from 2 submitters: Uncertain significance (1); Likely benign (1). Last evaluated 2024-10-21.

Conditions:
Kabuki syndrome. Also called: NIIKAWA-KUROKI SYNDROME; Kabuki make-up syndrome. Identifiers: Orphanet 2322, MedGen C0796004, MONDO:0016512.

Submissions (2):

Labcorp Genetics (formerly Invitae), Labcorp
Classification: Likely benign for Kabuki syndrome. Last evaluated: 2024-10-21. Review status: criteria provided, single submitter. Criteria: Invitae Variant Classification Sherloc (09022015). Collection method: clinical testing. Allele origin: germline.

CeGaT Center for Human Genetics Tuebingen
Classification: Uncertain significance. Last evaluated: 2022-12-01. Review status: criteria provided, single submitter. Criteria: CeGaT Center For Human Genetics Tuebingen Variant Classification Criteria Version 2. Collection method: clinical testing. Allele origin: germline. Affected: yes. Observed: 1 variant allele.
Comment: KMT2D: PM2, PP2, BP4